The following is an entry in ClinVar:

ClinVar aggregate classification (germline): Uncertain significance (1 of 4 stars; one submission).

Allele frequency attached by ClinVar (database versions not stated): gnomAD exomes below 0.00001.
gnomAD v4.1: 1 of 1,613,922 alleles (0.000062%); highest among the groups gnomAD compares: Admixed American, 0.0017%; no homozygotes.

Submission:

Labcorp Genetics (formerly Invitae), Labcorp
Classification: Uncertain significance. Last evaluated: 2022-08-09. Review status: criteria provided, single submitter. Criteria: Invitae Variant Classification Sherloc (09022015). Collection method: clinical testing. Allele origin: germline.
Comment: This sequence change falls in intron 54 of the USH2A gene. It does not directly change the encoded amino acid sequence of the USH2A protein. It affects a nucleotide within the consensus splice site. This variant is not present in population databases (gnomAD no frequency). This variant has not been reported in the literature in individuals affected with USH2A-related conditions. ClinVar contains an entry for this variant (Variation ID: 1436715). Variants that disrupt the consensus splice site are a relatively common cause of aberrant splicing (PMID: 17576681, 9536098). Algorithms developed to predict the effect of sequence changes on RNA splicing suggest that this variant is not likely to affect RNA splicing. In summary, the available evidence is currently insufficient to determine the role of this variant in disease. Therefore, it has been classified as a Variant of Uncertain Significance.

Literature cited by the submitters: PubMed 17576681; PubMed 9536098.

NM_206933.4(USH2A):c.10740+5G>A

Gene: USH2A (usherin; minus strand). Cytogenetic location: 1q41.
Variant type: single nucleotide variant.
Coding change: c.10740+5G>A on transcript NM_206933.4 (MANE Select); 5 bases into the intron after coding-DNA position 10740, G replaced by A.
Molecular consequence: intron variant.
Genome position (GRCh38, 1-based): chr1:215,782,037, C>T on the plus strand (G>A on the coding strand, the complement: USH2A is on the minus strand). VCF-style: chr1-215782037-C-T. GRCh37 (hg19) VCF-style: chr1-215955379-C-T.
Identifiers: ClinVar variation 1436715 (VCV001436715.3), dbSNP rs2102762606, ClinGen allele CA2573131575.